The following is an entry in ClinVar:

NM_001253852.3(AP4B1):c.548_549del (p.Leu183fs)

Gene: AP4B1 (adaptor related protein complex 4 subunit beta 1; minus strand). Cytogenetic location: 1p13.2.
Variant type: Deletion.
Coding change: c.548_549del on transcript NM_001253852.3 (MANE Select); coding-DNA positions 548 to 549, 2 bases deleted (TA; older notation c.548_549delTA).
Protein change: p.Leu183fs; shifts the reading frame from leucine 183.
Molecular consequence: frameshift variant. On other transcripts: intron variant (5).
Genome position (GRCh38, 1-based): chr1:113,901,304-113,901,305, TA deleted on the plus strand (TA on the coding strand, the reverse complement: AP4B1 is on the minus strand). VCF-style (leftmost placement, unchanged base first): chr1-113901303-CTA-C. GRCh37 (hg19) VCF-style: chr1-114443925-CTA-C.
Other names: c.251_252del, p.Leu84fs (NM_001253853.3); c.323_324del, p.Leu108fs (NM_001437822.1, NM_001438377.1); c.548_549del, p.Leu183fs (NM_001438373.1, NM_001438375.1, NM_006594.5); c.114-905_114-904del (NM_001438376.1, NM_001438379.1, NM_001308312.2); c.339-905_339-904del (NM_001438378.1, NM_001438374.1); short protein forms L108fs, L183fs, L84fs.
Identifiers: ClinVar variation 4890776 (VCV004890776.1).
Genomic context (GRCh38, chr1:113,901,303, plus strand): 5'-AGAGATGGTGAGCAATGGGCTTATTGATGACAACGCCTCCTTCCTGTTTCAGAATTTCCT[CTA>C]GAGACCTCAAGCAGTTCACAACTACAATTGGATCCTGGTCACGCAGCAAACTGTATAATT-3'

ClinVar aggregate classification (germline): Likely pathogenic (1 of 4 stars; one submission).

Conditions:
Hereditary spastic paraplegia 47. Also called: CEREBRAL PALSY, SPASTIC QUADRIPLEGIC, 5; adaptor protein 4 (AP-4) deficiency syndrome; Spastic paraplegia 47, autosomal recessive. Identifiers: Orphanet 280763, MedGen C3279738, MONDO:0013551, OMIM 614066.

Submission:

Solve-RD Consortium
Classification: Likely pathogenic for Hereditary spastic paraplegia 47. Review status: criteria provided, single submitter. Criteria: ACMG Guidelines, 2015. Collection method: provider interpretation. Allele origin: germline. Inheritance: Autosomal recessive inheritance. Affected: yes. Study: Solve-RD DIFT-EpiCARE reanalysis.
Comment: PVS1, PM2

Variant identified during reanalysis of unsolved cases by the Solve-RD project. The Solve-RD project has received funding from the European Union’s Horizon 2020 research and innovation programme under grant agreement No 779257.